The following is an entry in ClinVar:

NM_001082538.3(TCTN1):c.978+1G>T

Gene: TCTN1 (tectonic family member 1; plus strand). Cytogenetic location: 12q24.11.
Variant type: single nucleotide variant.
Coding change: c.978+1G>T on transcript NM_001082538.3 (MANE Select); the canonical splice donor site of the intron after coding-DNA position 978, G replaced by T.
Molecular consequence: splice donor variant.
Genome position (GRCh38, 1-based): chr12:110,640,518, G>T. VCF-style: chr12-110640518-G-T. GRCh37 (hg19) VCF-style: chr12-111078323-G-T.
Other names: NC_000012.11:g.111078323G>T; c.810+1G>T (NM_001173975.3); c.798+1G>T (NM_001173976.2); c.444+1G>T (NM_001319681.2); c.936+1G>T (NM_024549.6); c.978+1G>T (NM_001082537.3, NM_001319680.2).
Identifiers: ClinVar variation 265265 (VCV000265265.4), dbSNP rs886039436, ClinGen allele CA10588538.
Genomic context (GRCh38, chr12:110,640,518, plus strand): 5'-CTGCAGCCGACTCTCGTCAACGCTGGACACTTTAGCCTTTGCGTGAATGTTGTTCTTGAG[G>T]TAGGTGCCGAGTTTGGCTTTGAGAGCTTGTCTGTGGCAGACTTAAGCCTCTTGTTGCGCC-3'

ClinVar aggregate classification (germline): Pathogenic/Likely pathogenic. Review status: criteria provided, multiple submitters, no conflicts (2 of 4 stars). 2 submissions from 2 submitters: Pathogenic (1); Likely pathogenic (1). Last evaluated 2024-03-25.

Conditions:
Joubert syndrome 13 (JBTS13). Identifiers: Orphanet 475, MedGen C3280031, MONDO:0013608, OMIM 614173.

Submissions (3):

Genomic Medicine Center of Excellence, King Faisal Specialist Hospital and Research Centre
Classification: Pathogenic for Joubert syndrome 13. Last evaluated: 2024-03-25. Review status: criteria provided, single submitter. Criteria: ACMG Guidelines, 2015. Collection method: clinical testing. Allele origin: germline.

GeneDx
Classification: Likely pathogenic. Last evaluated: 2018-02-06. Review status: criteria provided, single submitter. Criteria: GeneDx Variant Classification (06012015). Collection method: clinical testing. Allele origin: germline. Affected: yes.
Comment: The c.978+1 G>T variant in the TCTN1 gene has not been reported previously as a pathogenic variant nor as a benign polymorphism, to our knowledge. This splice site variant destroys the canonical splice donor site in intron 8. It is predicted to cause abnormal gene splicing resulting in an in-frame protein product with an abnormal message. However, in the absence of RNA/functional studies, the actual effect of c.978+1 G>T in this individual is unknown. The c.978+1 G>T variant was also not observed in approximately 6,400 individuals of European and African American ancestry in the NHLBI Exome Sequencing Project, indicating it is not a common benign variant in these populations. Based on review of the data in the context of the 2015 ACMG standards and guidelines for the interpretation of sequence variants (Richards et al., 2015), we now interpret c.978+1 G>T as a likely pathogenic variant. However, the possibility c.978+1 G>T may be a rare benign variant cannot be excluded.

Dr. Peter K. Rogan Lab, Western University
No classification provided (evidence only). Condition: Lung cancer. Review status: no classification provided. Collection method: in vitro. Allele origin: not applicable. Functional consequence: retained intron. Not counted in ClinVar's aggregate classification.